The following is an entry in ClinVar:

NM_001009944.3(PKD1):c.11957C>T (p.Ala3986Val)

Gene: PKD1 (polycystin 1, transient receptor potential channel interacting; minus strand). Cytogenetic location: 16p13.3.
Variant type: single nucleotide variant.
Coding change: c.11957C>T on transcript NM_001009944.3 (MANE Select); coding-DNA position 11957, C replaced by T.
Protein change: p.Ala3986Val; replaces alanine 3986 with valine.
Molecular consequence: missense variant.
Genome position (GRCh38, 1-based): chr16:2,090,930, G>A on the plus strand (C>T on the coding strand, the complement: PKD1 is on the minus strand). VCF-style: chr16-2090930-G-A. GRCh37 (hg19) VCF-style: chr16-2140931-G-A.
Other names: c.11954C>T, p.Ala3985Val (NM_000296.4); short protein forms A3985V, A3986V.
Identifiers: ClinVar variation 447960 (VCV000447960.18), dbSNP rs528213425, ClinGen allele CA7828931.
Genomic context (GRCh38, chr16:2,090,930, plus strand): 5'-GGCCCAGCCCTCACCTTGACCAAAAGCAGGAAGAGCAGCGAGGCCGCCAGGCCACGGGCT[G>A]CGGAGCTCAGCTGCGCCACCTGGTCGAAGCTAGTGAAGCGGCGCGGGCGGCCGCGCACGA-3'
Protein context (NP_001009944.3, residues 3976-3996): SFDQVAQLSS[Ala3986Val]ARGLAASLLF

ClinVar aggregate classification (germline): Conflicting classifications of pathogenicity. Review status: criteria provided, conflicting classifications (1 of 4 stars). 7 submissions from 7 submitters: Uncertain significance (4); Likely benign (2). 1 of the submissions does not count toward it. Last evaluated 2025-03-17.

Conditions:
PKD1-related disorder. Also called: PKD1-related condition.
Polycystic kidney disease, adult type (PKD1). Also called: POLYCYSTIC KIDNEY DISEASE 1 WITH OR WITHOUT POLYCYSTIC LIVER DISEASE; Polycystic Kidney Disease 1, Autosomal Dominant; Polycystic kidney disease 1; Polycystic kidney disease 1, severe; POLYCYSTIC KIDNEY DISEASE, ADULT, TYPE I; Polycystic Kidney, Autosomal Dominant. Identifiers: MedGen C3149841, MONDO:0008263, OMIM 173900.

Allele frequency attached by ClinVar (database versions not stated): TOPMed 0.00005; gnomAD exomes 0.00008 and 0.00017; gnomAD 0.00011 and 0.00012; ExAC 0.00034.
gnomAD v4.1: 120 of 1,578,412 alleles (0.0076%); highest among the groups gnomAD compares: Non-Finnish European, 0.0088%; no homozygotes.

Submissions (7):

Women's Health and Genetics/Laboratory Corporation of America, LabCorp
Classification: Uncertain significance. Last evaluated: 2025-03-17. Review status: criteria provided, single submitter. Criteria: LabCorp Variant Classification Summary - May 2015. Collection method: clinical testing. Allele origin: germline.
Comment: Variant summary: PKD1 c.11957C>T (p.Ala3986Val) results in a non-conservative amino acid change located in the Polycystin cation channel, PKD1/PKD2 domain (IPR013122) of the encoded protein sequence. Four of five in-silico tools predict a benign effect of the variant on protein function. The variant allele was found at a frequency of 0.00017 in 182202 control chromosomes. This frequency is not significantly higher than estimated for a pathogenic variant in PKD1 causing Polycystic Kidney Disease 1 (0.00017 vs 0.0005), allowing no conclusion about variant significance. c.11957C>T has been reported in the literature in an individual affected with Polycystic Kidney Disease 1, however, they had multiple variants reported in PKD1, one of which was suspected to be causal, and segregation data as well as phasing with the variant of interest was unknown/not specified (Mallawaarachchi_2016). This report does not provide unequivocal conclusions about association of the variant with Polycystic Kidney Disease 1. To our knowledge, no experimental evidence demonstrating an impact on protein function has been reported. The following publication has been ascertained in the context of this evaluation (PMID: 27165007). ClinVar contains an entry for this variant (Variation ID: 447960). Based on the evidence outlined above, the variant was classified as uncertain significance.

Blueprint Genetics
Classification: Likely benign. Last evaluated: 2024-10-14. Review status: criteria provided, single submitter. Criteria: ACMG Guidelines, 2015. Collection method: clinical testing. Allele origin: germline.

Department of Pathology and Laboratory Medicine, Sinai Health System
Classification: Uncertain significance for Polycystic kidney disease, adult type. Last evaluated: 2020-07-30. Review status: criteria provided, single submitter. Criteria: ACMG Guidelines, 2015. Collection method: research. Allele origin: germline.

Athena Diagnostics
Classification: Likely benign. Last evaluated: 2020-05-11. Review status: criteria provided, single submitter. Criteria: Athena Diagnostics criteria. Collection method: clinical testing. Allele origin: unknown.

Centre for Mendelian Genomics, University Medical Centre Ljubljana
Classification: Uncertain significance for Polycystic kidney disease, adult type. Last evaluated: 2019-08-19. Review status: criteria provided, single submitter. Criteria: ACMG Guidelines, 2015. Collection method: clinical testing. Allele origin: unknown. Affected: yes.
Comment: This variant was classified as: Uncertain significance. The available evidence on this variant's pathogenicity is insufficient or conflicting. The following ACMG criteria were applied in classifying this variant: BP4.

ARUP Laboratories, Molecular Genetics and Genomics, ARUP Laboratories
Classification: Uncertain significance. Last evaluated: 2017-06-01. Review status: criteria provided, single submitter. Criteria: ARUP Molecular Germline Variant Investigation Process. Collection method: clinical testing. Allele origin: germline.

PreventionGenetics, part of Exact Sciences
Classification: Uncertain significance for PKD1-related condition. Last evaluated: 2023-11-22. Review status: no assertion criteria provided. Collection method: clinical testing. Allele origin: germline. Not counted in ClinVar's aggregate classification.
Comment: The PKD1 c.11957C>T variant is predicted to result in the amino acid substitution p.Ala3986Val. To our knowledge, this variant has not been reported in the literature. This variant is reported in 0.033% of alleles in individuals of European (Finnish) descent in gnomAD. At this position in several species is a valine (Val) including chicken, mouse, and rat. Although we suspect that this variant may be benign, at this time, the clinical significance of this variant is uncertain due to the absence of conclusive functional and genetic evidence.

Literature cited by the submitters: PubMed 27165007 (cited by Women's Health and Genetics/Laboratory Corporation of America, LabCorp and Athena Diagnostics).